The following is an entry in ClinVar:

NM_006295.3(VARS1):c.3173G>A (p.Arg1058Gln)

Gene: VARS1 (valyl-tRNA synthetase 1; minus strand). Cytogenetic location: 6p21.33.
Variant type: single nucleotide variant.
Coding change: c.3173G>A on transcript NM_006295.3 (MANE Select); coding-DNA position 3173, G replaced by A.
Protein change: p.Arg1058Gln; replaces arginine 1058 with glutamine.
Molecular consequence: missense variant.
Genome position (GRCh38, 1-based): chr6:31,779,723, C>T on the plus strand (G>A on the coding strand, the complement: VARS1 is on the minus strand). VCF-style: chr6-31779723-C-T. GRCh37 (hg19) VCF-style: chr6-31747500-C-T.
Other names: short protein forms R1058Q.
Identifiers: ClinVar variation 402134 (VCV000402134.7), dbSNP rs769369302, ClinGen allele CA3722753.

ClinVar aggregate classification (germline): Likely pathogenic. Review status: criteria provided, multiple submitters, no conflicts (2 of 4 stars). 4 submissions from 4 submitters: Likely pathogenic (2). 2 of the submissions do not count toward it. Last evaluated 2021-08-17.

Conditions:
Neurodevelopmental disorder with microcephaly, seizures, and cortical atrophy. Identifiers: MedGen C4540493, MONDO:0060621, OMIM 617802.
Abnormal brain morphology. Also called: Abnormality of brain morphology. Identifiers: MedGen C4021085, HP:0012443.

Allele frequency attached by ClinVar (database versions not stated): gnomAD exomes below 0.00001 and 0.00001; TOPMed below 0.00001; ExAC 0.00001; gnomAD 0.00002.

Submissions (4):

Laboratorio de Genetica e Diagnostico Molecular, Hospital Israelita Albert Einstein
Classification: Likely pathogenic for Neurodevelopmental disorder with microcephaly, seizures, and cortical atrophy. Last evaluated: 2021-08-17. Review status: criteria provided, single submitter. Criteria: ACMG Guidelines, 2015. Collection method: clinical testing. Allele origin: germline. Affected: yes.
Comment: ACMG classification criteria: PS3 supporting, PS4 supporting, PM2 moderate, PM3 moderate

Lupski Lab, Baylor-Hopkins CMG, Baylor College of Medicine
Classification: Likely pathogenic for Abnormal brain morphology. Review status: criteria provided, single submitter. Criteria: Karaca et al. (Neuron 2015). Collection method: research. Allele origin: inherited. Inheritance: Autosomal recessive inheritance. Affected: yes.
Comment: There is one more families with similar phenotype

Zotz-Klimas Genetics Lab, MVZ Zotz Klimas
Classification: Uncertain significance for Neurodevelopmental disorder with microcephaly, seizures, and cortical atrophy. Last evaluated: 2023-11-24. Review status: no assertion criteria provided. Collection method: clinical testing. Allele origin: germline. Affected: yes. Not counted in ClinVar's aggregate classification.

OMIM
Classification: Pathogenic for NEURODEVELOPMENTAL DISORDER WITH MICROCEPHALY, SEIZURES, AND CORTICAL ATROPHY. Last evaluated: 2019-08-20. Review status: no assertion criteria provided. Collection method: literature only. Allele origin: germline. Not counted in ClinVar's aggregate classification.

Literature cited by the submitters: Karaca, E. Personal Communication. 2017. Houston, Texas (cited by OMIM); PubMed 30755616 (cited by OMIM).